The following is an entry in ClinVar:

NM_024675.4(PALB2):c.215C>G (p.Pro72Arg)

Gene: PALB2 (partner and localizer of BRCA2; minus strand). Cytogenetic location: 16p12.2.
Variant type: single nucleotide variant.
Coding change: c.215C>G on transcript NM_024675.4 (MANE Select); coding-DNA position 215, C replaced by G.
Protein change: p.Pro72Arg; replaces proline 72 with arginine.
Molecular consequence: missense variant.
Genome position (GRCh38, 1-based): chr16:23,636,331, G>C on the plus strand (C>G on the coding strand, the complement: PALB2 is on the minus strand). VCF-style: chr16-23636331-G-C. GRCh37 (hg19) VCF-style: chr16-23647652-G-C.
Other names: short protein forms P72R.
Identifiers: ClinVar variation 998796 (VCV000998796.13), dbSNP rs1967062090, ClinGen allele CA395138985.

ClinVar aggregate classification (germline): Uncertain significance. Review status: criteria provided, multiple submitters, no conflicts (2 of 4 stars). 3 submissions from 3 submitters: Uncertain significance (3). Last evaluated 2024-10-11.

Conditions:
Hereditary cancer-predisposing syndrome. Also called: Neoplastic Syndromes, Hereditary; Tumor predisposition; Hereditary Cancer Syndrome; Hereditary neoplastic syndrome. Identifiers: Orphanet 140162, MedGen C0027672, MeSH D009386, MONDO:0015356.
Familial cancer of breast. Also called: Hereditary breast cancer; hereditary breast carcinoma; BREAST CANCER, FAMILIAL. Identifiers: Orphanet 227535, MedGen C0346153, MONDO:0016419, OMIM 114480. Disease mechanism: loss of function.

Submissions (3):

Quest Diagnostics Nichols Institute San Juan Capistrano
Classification: Uncertain significance. Last evaluated: 2024-10-11. Review status: criteria provided, single submitter. Criteria: Quest Diagnostics criteria. Collection method: clinical testing. Allele origin: unknown.
Comment: The PALB2 c.215C>G (p.Pro72Arg) variant has not been reported in individuals with PALB2-related conditions in the published literature. It also has not been reported in large, multi-ethnic general populations (Genome Aggregation Database). Analysis of this variant using bioinformatics tools for the prediction of the effect of amino acid changes on protein structure and function yielded conflicting predictions that this variant is benign or damaging. Based on the available information, we are unable to determine the clinical significance of this variant.

Labcorp Genetics (formerly Invitae), Labcorp
Classification: Uncertain significance for Familial cancer of breast. Last evaluated: 2022-09-10. Review status: criteria provided, single submitter. Criteria: Invitae Variant Classification Sherloc (09022015). Collection method: clinical testing. Allele origin: germline.
Comment: This sequence change replaces proline, which is neutral and non-polar, with arginine, which is basic and polar, at codon 72 of the PALB2 protein (p.Pro72Arg). This variant is not present in population databases (gnomAD no frequency). This variant has not been reported in the literature in individuals affected with PALB2-related conditions. ClinVar contains an entry for this variant (Variation ID: 998796). Algorithms developed to predict the effect of missense changes on protein structure and function are either unavailable or do not agree on the potential impact of this missense change (SIFT: "Tolerated"; PolyPhen-2: "Possibly Damaging"; Align-GVGD: "Class C0"). In summary, the available evidence is currently insufficient to determine the role of this variant in disease. Therefore, it has been classified as a Variant of Uncertain Significance.

Ambry Genetics
Classification: Uncertain significance for Hereditary cancer-predisposing syndrome. Last evaluated: 2021-08-19. Review status: criteria provided, single submitter. Criteria: Ambry Variant Classification Scheme 2023. Collection method: clinical testing. Allele origin: germline.
Comment: The p.P72R variant (also known as c.215C>G), located in coding exon 4 of the PALB2 gene, results from a C to G substitution at nucleotide position 215. The proline at codon 72 is replaced by arginine, an amino acid with dissimilar properties. This amino acid position is not well conserved in available vertebrate species. In addition, this alteration is predicted to be tolerated by in silico analysis. Since supporting evidence is limited at this time, the clinical significance of this alteration remains unclear.

Literature cited by the submitters: PubMed 38697030 (cited by Quest Diagnostics Nichols Institute San Juan Capistrano).